The following is an entry in ClinVar:

NM_178526.5(SLC25A42):c.815G>T (p.Arg272Leu)

Gene: SLC25A42 (solute carrier family 25 member 42; plus strand). Cytogenetic location: 19p13.11.
Variant type: single nucleotide variant.
Coding change: c.815G>T on transcript NM_178526.5 (MANE Select); coding-DNA position 815, G replaced by T.
Protein change: p.Arg272Leu; replaces arginine 272 with leucine.
Molecular consequence: missense variant.
Genome position (GRCh38, 1-based): chr19:19,110,734, G>T. VCF-style: chr19-19110734-G-T. GRCh37 (hg19) VCF-style: chr19-19221543-G-T.
Other names: c.815G>T, p.Arg272Leu (NM_001321544.2); short protein forms R272L.
Identifiers: ClinVar variation 2097780 (VCV002097780.4), dbSNP rs2514116795, ClinGen allele CA404898026.
Genomic context (GRCh38, chr19:19,110,734, plus strand): 5'-GGCGCATGCAGACGGCCGGCGTCACGGGCTACCCGCGCGCCTCCATCGCCCGCACGCTGC[G>T]CACCATCGTGCGGGAGGAGGGCGCCGTGCGCGGCCTCTACAAAGGCTTGAGCATGAACTG-3'
Protein context (NP_848621.2, residues 262-282): YPRASIARTL[Arg272Leu]TIVREEGAVR

ClinVar aggregate classification (germline): Uncertain significance (1 of 4 stars; one submission).

Submission:

Labcorp Genetics (formerly Invitae), Labcorp
Classification: Uncertain significance. Last evaluated: 2022-08-31. Review status: criteria provided, single submitter. Criteria: Invitae Variant Classification Sherloc (09022015). Collection method: clinical testing. Allele origin: germline.
Comment: In summary, the available evidence is currently insufficient to determine the role of this variant in disease. Therefore, it has been classified as a Variant of Uncertain Significance. Algorithms developed to predict the effect of missense changes on protein structure and function (SIFT, PolyPhen-2, Align-GVGD) all suggest that this variant is likely to be tolerated. This variant has not been reported in the literature in individuals affected with SLC25A42-related conditions. This variant is not present in population databases (gnomAD no frequency). This sequence change replaces arginine, which is basic and polar, with leucine, which is neutral and non-polar, at codon 272 of the SLC25A42 protein (p.Arg272Leu).